The following is an entry in ClinVar:

NM_004168.4(SDHA):c.1064+2T>G

Gene: SDHA (succinate dehydrogenase complex flavoprotein subunit A; plus strand). Cytogenetic location: 5p15.33.
Variant type: single nucleotide variant.
Coding change: c.1064+2T>G on transcript NM_004168.4 (MANE Select); the canonical splice donor site of the intron after coding-DNA position 1064, T replaced by G.
Molecular consequence: splice donor variant.
Genome position (GRCh38, 1-based): chr5:233,647, T>G. VCF-style: chr5-233647-T-G. GRCh37 (hg19) VCF-style: chr5-233762-T-G.
Other names: c.1064+2T>G (NM_001330758.2); c.920+2T>G (NM_001294332.2).
Identifiers: ClinVar variation 1522959 (VCV001522959.8), dbSNP rs1553999072, ClinGen allele CA359013040.

ClinVar aggregate classification (germline): Likely pathogenic (1 of 4 stars; one submission).

Conditions:
Mitochondrial complex II deficiency, nuclear type 1. Also called: SUCCINATE CoQ REDUCTASE DEFICIENCY. Identifiers: Orphanet 3208, MedGen C5700310, MONDO:0100294, OMIM 252011.
Pheochromocytoma/paraganglioma syndrome 5. Also called: Paragangliomas 5; SDHA-Related Hereditary Paraganglioma-Pheochromocytoma Syndrome. Identifiers: Orphanet 29072, MedGen C3279992, MONDO:0013602, OMIM 614165.

Submission:

Labcorp Genetics (formerly Invitae), Labcorp
Classification: Likely pathogenic for Pheochromocytoma/paraganglioma syndrome 5; Mitochondrial complex II deficiency, nuclear type 1. Last evaluated: 2021-06-17. Review status: criteria provided, single submitter. Criteria: Invitae Variant Classification Sherloc (09022015). Collection method: clinical testing. Allele origin: germline.
Comment: In summary, the currently available evidence indicates that the variant is pathogenic, but additional data are needed to prove that conclusively. Therefore, this variant has been classified as Likely Pathogenic. Algorithms developed to predict the effect of sequence changes on RNA splicing suggest that this variant may disrupt the consensus splice site, but this prediction has not been confirmed by published transcriptional studies. This variant has not been reported in the literature in individuals with SDHA-related conditions. This variant is not present in population databases (ExAC no frequency). This sequence change affects a donor splice site in intron 8 of the SDHA gene. It is expected to disrupt RNA splicing. Variants that disrupt the donor or acceptor splice site typically lead to a loss of protein function (PMID: 16199547), and loss-of-function variants in SDHA are known to be pathogenic (PMID: 22974104, 24781757).

Literature cited by the submitters: PubMed 16199547; PubMed 22974104; PubMed 24781757.